The following is an entry in ClinVar:

ClinVar aggregate classification (germline): Uncertain significance (1 of 4 stars; one submission).

Conditions:
Seckel syndrome 1 (SCKL1). Also called: MICROCEPHALIC PRIMORDIAL DWARFISM I. Identifiers: Orphanet 808, MedGen C4551474, MONDO:0008869, OMIM 210600.

Submission:

Labcorp Genetics (formerly Invitae), Labcorp
Classification: Uncertain significance. Last evaluated: 2019-08-02. Review status: criteria provided, single submitter. Criteria: Invitae Variant Classification Sherloc (09022015). Collection method: clinical testing. Allele origin: germline.
Comment: This variant, c.1578_1580del, results in the deletion of 1 amino acid(s) of the ATR protein (p.Lys527del), but otherwise preserves the integrity of the reading frame. This variant is not present in population databases (ExAC no frequency). This variant has not been reported in the literature in individuals with ATR-related conditions. Experimental studies and prediction algorithms are not available or were not evaluated for this variant, and the functional significance of the affected amino acid(s) is currently unknown. In summary, the available evidence is currently insufficient to determine the role of this variant in disease. Therefore, it has been classified as a Variant of Uncertain Significance.

NM_001184.4(ATR):c.1575GAA[1] (p.Lys527del)

Gene: ATR (ATR checkpoint kinase; minus strand). Cytogenetic location: 3q23.
Variant type: Microsatellite.
Coding change: c.1575GAA[1] on transcript NM_001184.4 (MANE Select); one copy of the 3-base unit GAA starting at c.1575; the reference has two copies in a row; one copy, 3 bases deleted.
Protein change: p.Lys527del; deletes lysine 527.
Molecular consequence: inframe deletion.
Genome position (GRCh38, 1-based): chr3:142,559,403-142,559,405, TTC deleted on the plus strand (GAA on the coding strand, the reverse complement: ATR is on the minus strand); deleting any 3 consecutive bases within chr3:142,559,403-142,559,410 gives the same sequence; the position shown is the placement nearest the transcript's 3' end. VCF-style (leftmost placement, unchanged base first): chr3-142559402-TTTC-T. GRCh37 (hg19) VCF-style: chr3-142278244-TTTC-T.
Other names: c.1383GAA[1], p.Lys463del (NM_001354579.2); short protein forms K463del, K527del.
Identifiers: ClinVar variation 956388 (VCV000956388.11), dbSNP rs2034798916, ClinGen allele CA1407030362.